The following is an entry in ClinVar:

ClinVar aggregate classification (germline): Uncertain significance. Review status: criteria provided, multiple submitters, no conflicts (2 of 4 stars). 2 submissions from 2 submitters: Uncertain significance (2). Last evaluated 2025-12-02.

Conditions:
Hereditary cancer-predisposing syndrome. Also called: Hereditary neoplastic syndrome; Neoplastic Syndromes, Hereditary; Tumor predisposition; Hereditary Cancer Syndrome. Identifiers: Orphanet 140162, MedGen C0027672, MeSH D009386, MONDO:0015356.
Familial cancer of breast. Also called: hereditary breast carcinoma; Hereditary breast cancer; BREAST CANCER, FAMILIAL. Identifiers: Orphanet 227535, MedGen C0346153, MONDO:0016419, OMIM 114480. Disease mechanism: loss of function.

Submissions (2):

Ambry Genetics
Classification: Uncertain significance for Hereditary cancer-predisposing syndrome. Last evaluated: 2025-12-02. Review status: criteria provided, single submitter. Criteria: Ambry Variant Classification Scheme 2023. Collection method: clinical testing. Allele origin: germline.
Comment: The p.A995S variant (also known as c.2983G>T), located in coding exon 9 of the PALB2 gene, results from a G to T substitution at nucleotide position 2983. The alanine at codon 995 is replaced by serine, an amino acid with similar properties. This amino acid position is not well conserved in available vertebrate species. In addition, this alteration is predicted to be tolerated by in silico analysis. Since supporting evidence is limited at this time, the clinical significance of this alteration remains unclear.

Labcorp Genetics (formerly Invitae), Labcorp
Classification: Uncertain significance for Familial cancer of breast. Last evaluated: 2021-02-20. Review status: criteria provided, single submitter. Criteria: Invitae Variant Classification Sherloc (09022015). Collection method: clinical testing. Allele origin: germline.
Comment: In summary, the available evidence is currently insufficient to determine the role of this variant in disease. Therefore, it has been classified as a Variant of Uncertain Significance. This sequence change replaces alanine with serine at codon 995 of the PALB2 protein (p.Ala995Ser). The alanine residue is moderately conserved and there is a moderate physicochemical difference between alanine and serine. This variant is not present in population databases (ExAC no frequency). This variant has not been reported in the literature in individuals with PALB2-related conditions. Algorithms developed to predict the effect of missense changes on protein structure and function output the following: SIFT: "Tolerated"; PolyPhen-2: "Benign"; Align-GVGD: "Class C0". The serine amino acid residue is found in multiple mammalian species, suggesting that this missense change does not adversely affect protein function. These predictions have not been confirmed by published functional studies and their clinical significance is uncertain.

NM_024675.4(PALB2):c.2983G>T (p.Ala995Ser)

Gene: PALB2 (partner and localizer of BRCA2; minus strand). Cytogenetic location: 16p12.2.
Variant type: single nucleotide variant.
Coding change: c.2983G>T on transcript NM_024675.4 (MANE Select); coding-DNA position 2983, G replaced by T.
Protein change: p.Ala995Ser; replaces alanine 995 with serine.
Molecular consequence: missense variant.
Genome position (GRCh38, 1-based): chr16:23,622,982, C>A on the plus strand (G>T on the coding strand, the complement: PALB2 is on the minus strand). VCF-style: chr16-23622982-C-A. GRCh37 (hg19) VCF-style: chr16-23634303-C-A.
Other names: c.2983G>T (NM_024675.3); short protein forms A995S.
Identifiers: ClinVar variation 1512389 (VCV001512389.11), dbSNP rs2142334456, ClinGen allele CA395143897.
Genomic context (GRCh38, chr16:23,622,982, plus strand): 5'-AATCATTCTTCATCTAATAGTTAAAAATCAATCAATGCTTTTCTTACCCTCCATCTTCTG[C>A]AAACGTCATGACTTCTACTTGTTGATCAGAAAGGGTCCCACTGCTACTAACTAGCCTCCT-3'
Protein context (NP_078951.2, residues 985-1005): SDQQVEVMTF[Ala995Ser]EDGGGKENQF